The following is an entry in ClinVar:

NM_016277.5(RAB23):c.481+4A>C

Gene: RAB23 (RAB23, member RAS oncogene family; minus strand). Cytogenetic location: 6p12.1.
Variant type: single nucleotide variant.
Coding change: c.481+4A>C on transcript NM_016277.5 (MANE Select); 4 bases into the intron after coding-DNA position 481, A replaced by C.
Molecular consequence: intron variant.
Genome position (GRCh38, 1-based): chr6:57,194,766, T>G on the plus strand (A>C on the coding strand, the complement: RAB23 is on the minus strand). VCF-style: chr6-57194766-T-G. GRCh37 (hg19) VCF-style: chr6-57059564-T-G.
Other names: c.481+4A>C (NM_001278666.2, NM_001278667.2, NM_001278668.2 and 2 more transcripts).
Identifiers: ClinVar variation 2051630 (VCV002051630.4), dbSNP rs747225405, ClinGen allele CA3873808.

ClinVar aggregate classification (germline): Uncertain significance. Review status: criteria provided, multiple submitters, no conflicts (2 of 4 stars). 3 submissions from 3 submitters: Uncertain significance (3). Last evaluated 2026-05-16.

Conditions:
RAB23-related disorder. Also called: RAB23-related condition.
Carpenter syndrome. Identifiers: Orphanet 65759, MedGen C1275078, MONDO:0019012.
Inborn genetic diseases. Identifiers: MedGen C0950123, MeSH D030342.

Allele frequency attached by ClinVar (database versions not stated): gnomAD 0.00003; TOPMed 0.00004; ExAC 0.00005; gnomAD exomes 0.00005.
gnomAD v4.1: 80 of 1,601,444 alleles (0.005%); highest among the groups gnomAD compares: Admixed American, 0.017%; no homozygotes.

Submissions (3):

PreventionGenetics, part of Exact Sciences
Classification: Uncertain significance for RAB23-related condition. Last evaluated: 2026-05-16. Review status: criteria provided, single submitter. Criteria: ACMG Guidelines, 2015. Collection method: clinical testing. Allele origin: germline.
Comment: The RAB23 c.481+4A>C variant is predicted to interfere with splicing. This variant is predicted to cause a minor splicing defect at the consensus splice site based on splicing prediction programs (Alamut Visual Plus v1.6.1; Splice AI, Jaganathan et al. 2019. PubMed ID: 30661751). However, the use of computer prediction software is not equivalent to functional evidence. To our knowledge, this variant has not been reported in the literature. This variant is reported in 0.023% of alleles in individuals of Latino descent in gnomAD. Of note, a c.481G>C variant which is also predicted to impact the same consensus splice site, has been reported in the homozygous state in a patient with Carpenter Syndrome and functional studies showed aberrant splicing with exon 6 skipping and premature protein termination (Haye et al. 2014. PubMed ID: 25168863). At this time, the clinical significance of the c.481+4A>C variant is uncertain due to the absence of conclusive functional and genetic evidence.

Labcorp Genetics (formerly Invitae), Labcorp
Classification: Uncertain significance for Carpenter syndrome. Last evaluated: 2022-07-12. Review status: criteria provided, single submitter. Criteria: Invitae Variant Classification Sherloc (09022015). Collection method: clinical testing. Allele origin: germline.
Comment: This sequence change falls in intron 5 of the RAB23 gene. It does not directly change the encoded amino acid sequence of the RAB23 protein. It affects a nucleotide within the consensus splice site. This variant is present in population databases (rs747225405, gnomAD 0.02%). This variant has not been reported in the literature in individuals affected with RAB23-related conditions. Variants that disrupt the consensus splice site are a relatively common cause of aberrant splicing (PMID: 17576681, 9536098). Algorithms developed to predict the effect of sequence changes on RNA splicing suggest that this variant is not likely to affect RNA splicing. In summary, the available evidence is currently insufficient to determine the role of this variant in disease. Therefore, it has been classified as a Variant of Uncertain Significance.

Ambry Genetics
Classification: Uncertain significance for Inborn genetic diseases. Last evaluated: 2021-12-21. Review status: criteria provided, single submitter. Criteria: Ambry Variant Classification Scheme 2023. Collection method: clinical testing. Allele origin: germline.
Comment: The c.481+4A>C intronic alteration consists of a A to C substitution nucleotides after coding exon 4 in the RAB23 gene. Based on insufficient or conflicting evidence, the clinical significance of this alteration remains unclear.

Literature cited by the submitters: PubMed 17576681 (cited by Labcorp Genetics (formerly Invitae), Labcorp); PubMed 9536098 (cited by Labcorp Genetics (formerly Invitae), Labcorp).